The following is an entry in ClinVar:

NM_001382280.1(LRRC53):c.1525A>G (p.Ile509Val)

Genes: FPGT-TNNI3K (FPGT-TNNI3K readthrough; plus strand), LRRC53 (leucine rich repeat containing 53; minus strand), TNNI3K (TNNI3 interacting kinase; plus strand). Cytogenetic location: 1p31.1.
Variant type: single nucleotide variant.
Coding change: c.1525A>G on transcript NM_001382280.1 (MANE Select); coding-DNA position 1525, A replaced by G.
Protein change: p.Ile509Val; replaces isoleucine 509 with valine.
Molecular consequence: missense variant. On other transcripts: intron variant (2).
Genome position (GRCh38, 1-based): chr1:74,472,097, T>C on the plus strand (A>G on the coding strand, the complement: LRRC53 is on the minus strand). VCF-style: chr1-74472097-T-C. GRCh37 (hg19) VCF-style: chr1-74937781-T-C.
Other names: c.1429A>G, p.Ile477Val (NM_001364666.2); c.2424+8547T>C (NM_001112808.3); c.2121+8547T>C (NM_015978.3); short protein forms I477V, I509V.
Identifiers: ClinVar variation 4083523 (VCV004083523.8).

ClinVar aggregate classification (germline): Likely benign (1 of 4 stars; one submission).

gnomAD v4.1: 4,023 of 717,290 alleles (0.56%); highest among the groups gnomAD compares: Non-Finnish European, 0.8%; 24 homozygotes.

Submission:

CeGaT Center for Human Genetics Tuebingen
Classification: Likely benign. Last evaluated: 2026-06-01. Review status: criteria provided, single submitter. Criteria: CeGaT Center For Human Genetics Tuebingen Variant Classification Criteria Version 2. Collection method: clinical testing. Allele origin: germline. Affected: yes. Observed: 4 variant alleles.
Comment: LRRC53: BP4, BS2